The following is an entry in ClinVar:

NM_001365951.3(KIF1B):c.3260A>G (p.Asp1087Gly)

Gene: KIF1B (kinesin family member 1B; plus strand). Cytogenetic location: 1p36.22.
Variant type: single nucleotide variant.
Coding change: c.3260A>G on transcript NM_001365951.3 (MANE Select); coding-DNA position 3260, A replaced by G.
Protein change: p.Asp1087Gly; replaces aspartic acid 1087 with glycine.
Molecular consequence: missense variant.
Genome position (GRCh38, 1-based): chr1:10,337,371, A>G. VCF-style: chr1-10337371-A-G. GRCh37 (hg19) VCF-style: chr1-10397429-A-G.
Other names: c.3260A>G, p.Asp1087Gly (NM_001365952.1); c.3122A>G, p.Asp1041Gly (NM_015074.3); short protein forms D1041G, D1087G.
Identifiers: ClinVar variation 2497105 (VCV002497105.2), dbSNP rs2521721217, ClinGen allele CA338340199.

ClinVar aggregate classification (germline): Uncertain significance (1 of 4 stars; one submission).

Submission:

Ambry Genetics
Classification: Uncertain significance. Last evaluated: 2023-02-23. Review status: criteria provided, single submitter. Criteria: Ambry Variant Classification Scheme 2023. Collection method: clinical testing. Allele origin: germline.
Comment: The p.D1041G variant (also known as c.3122A>G) is located in coding exon 28 of the KIF1B gene. The aspartic acid at codon 1041 is replaced by glycine, an amino acid with similar properties. This change occurs in the first base pair of coding exon 28. This amino acid position is conserved. In addition, this alteration is predicted to be deleterious by in silico analysis. Since supporting evidence is limited at this time, the clinical significance of this alteration remains unclear.